The following is an entry in ClinVar:

NM_013262.4(MYLIP):c.544A>G (p.Met182Val)

Gene: MYLIP (myosin regulatory light chain interacting protein; plus strand). Cytogenetic location: 6p22.3.
Variant type: single nucleotide variant.
Coding change: c.544A>G on transcript NM_013262.4 (MANE Select); coding-DNA position 544, A replaced by G.
Protein change: p.Met182Val; replaces methionine 182 with valine.
Molecular consequence: missense variant.
Genome position (GRCh38, 1-based): chr6:16,143,099, A>G. VCF-style: chr6-16143099-A-G. GRCh37 (hg19) VCF-style: chr6-16143330-A-G.
Other names: c.544A>G, p.Met182Val (NM_001436627.1); short protein forms M182V.
Identifiers: ClinVar variation 4765459 (VCV004765459.1).

ClinVar aggregate classification (germline): Uncertain significance (1 of 4 stars; one submission).

Submission:

Labcorp Genetics (formerly Invitae), Labcorp
Classification: Uncertain significance. Last evaluated: 2025-10-06. Review status: criteria provided, single submitter. Criteria: Invitae Variant Classification Sherloc (09022015). Collection method: clinical testing. Allele origin: germline.
Comment: This sequence change replaces methionine, which is neutral and non-polar, with valine, which is neutral and non-polar, at codon 182 of the MYLIP protein (p.Met182Val). This variant is present in population databases (rs773289631, gnomAD 0.0009%). This variant has not been reported in the literature in individuals affected with MYLIP-related conditions. An algorithm developed to predict the effect of missense changes on protein structure and function (PolyPhen-2) suggests that this variant is likely to be tolerated. In summary, the available evidence is currently insufficient to determine the role of this variant in disease. Therefore, it has been classified as a Variant of Uncertain Significance.